The following is an entry in ClinVar:

NM_003978.5(PSTPIP1):c.36+10610A>G

Gene: PSTPIP1 (proline-serine-threonine phosphatase interacting protein 1; plus strand). Cytogenetic location: 15q24.3.
Variant type: single nucleotide variant.
Coding change: c.36+10610A>G on transcript NM_003978.5 (MANE Select); 10610 bases into the intron after coding-DNA position 36, A replaced by G.
Molecular consequence: intron variant.
Genome position (GRCh38, 1-based): chr15:77,006,219, A>G. VCF-style: chr15-77006219-A-G. GRCh37 (hg19) VCF-style: chr15-77298560-A-G.
Other names: c.231+10610A>G (NM_001321137.1); c.-210-1628A>G (NM_001321136.2); c.36+10610A>G (NM_001321135.2).
Identifiers: ClinVar variation 1683612 (VCV001683612.2), dbSNP rs2075813588, ClinGen allele CA971669763.

ClinVar aggregate classification (germline): Uncertain significance (1 of 4 stars; one submission).

Conditions:
Pyogenic arthritis-pyoderma gangrenosum-acne syndrome (PAPA). Also called: FAMILIAL RECURRENT ARTHRITIS; PAPA SYNDROME. Identifiers: Orphanet 69126, MedGen C1858361, MONDO:0011462, OMIM 604416.

Allele frequency attached by ClinVar (database versions not stated): gnomAD 0.00001.

Submission:

Laboratorio de Genetica e Diagnostico Molecular, Hospital Israelita Albert Einstein
Classification: Uncertain significance for Pyogenic arthritis-pyoderma gangrenosum-acne syndrome. Last evaluated: 2022-02-08. Review status: criteria provided, single submitter. Criteria: ACMG Guidelines, 2015. Collection method: clinical testing. Allele origin: germline. Affected: yes.
Comment: ACMG classification criteria: PM2